The following is an entry in ClinVar:

ClinVar aggregate classification (germline): Uncertain significance (1 of 4 stars; one submission).

Conditions:
Gastrointestinal stromal tumor. Also called: Gastrointestinal stroma tumor; Gastrointestinal stromal tumor, somatic. Identifiers: Orphanet 44890, MedGen C0238198, MeSH D046152, MONDO:0011719, OMIM 606764, HP:0100723.

Submission:

Labcorp Genetics (formerly Invitae), Labcorp
Classification: Uncertain significance for Gastrointestinal stromal tumor. Last evaluated: 2022-10-06. Review status: criteria provided, single submitter. Criteria: Invitae Variant Classification Sherloc (09022015). Collection method: clinical testing. Allele origin: germline.
Comment: This sequence change replaces valine, which is neutral and non-polar, with methionine, which is neutral and non-polar, at codon 409 of the KIT protein (p.Val409Met). In summary, the available evidence is currently insufficient to determine the role of this variant in disease. Therefore, it has been classified as a Variant of Uncertain Significance. Algorithms developed to predict the effect of missense changes on protein structure and function are either unavailable or do not agree on the potential impact of this missense change (SIFT: "Deleterious"; PolyPhen-2: "Probably Damaging"; Align-GVGD: "Class C15"). This variant has not been reported in the literature in individuals affected with KIT-related conditions. This variant is not present in population databases (gnomAD no frequency).

NM_000222.3(KIT):c.1225G>A (p.Val409Met)

Gene: KIT (KIT proto-oncogene, receptor tyrosine kinase; plus strand). Cytogenetic location: 4q12.
Variant type: single nucleotide variant.
Coding change: c.1225G>A on transcript NM_000222.3 (MANE Select); coding-DNA position 1225, G replaced by A.
Protein change: p.Val409Met; replaces valine 409 with methionine.
Molecular consequence: missense variant.
Genome position (GRCh38, 1-based): chr4:54,709,533, G>A. VCF-style: chr4-54709533-G-A. GRCh37 (hg19) VCF-style: chr4-55575699-G-A.
Other names: c.1225G>A, p.Val409Met (NM_001093772.2, NM_001385285.1, NM_001385286.1); c.1228G>A, p.Val410Met (NM_001385284.1, NM_001385288.1, NM_001385290.1 and 1 more transcripts); short protein forms V409M, V410M.
Identifiers: ClinVar variation 2048575 (VCV002048575.4), dbSNP rs2475486495, ClinGen allele CA356902724.